The following is an entry in ClinVar:

NM_017777.4(MKS1):c.1414C>G (p.Arg472Gly)

Gene: MKS1 (MKS transition zone complex subunit 1; minus strand). Cytogenetic location: 17q22.
Variant type: single nucleotide variant.
Coding change: c.1414C>G on transcript NM_017777.4 (MANE Select); coding-DNA position 1414, C replaced by G.
Protein change: p.Arg472Gly; replaces arginine 472 with glycine.
Molecular consequence: missense variant. On other transcripts: intron variant (2).
Genome position (GRCh38, 1-based): chr17:58,206,541, G>C on the plus strand (C>G on the coding strand, the complement: MKS1 is on the minus strand). VCF-style: chr17-58206541-G-C. GRCh37 (hg19) VCF-style: chr17-56283902-G-C.
Other names: c.805C>G, p.Arg269Gly (NM_001321268.2); c.1274-161C>G (NM_001330397.2); c.1408-161C>G (NM_001321269.2); short protein forms R269G, R472G.
Identifiers: ClinVar variation 656438 (VCV000656438.9), dbSNP rs181513926, ClinGen allele CA8669129.

ClinVar aggregate classification (germline): Uncertain significance. Review status: criteria provided, single submitter (1 of 4 stars). 2 submissions from 2 submitters: Uncertain significance (1). 1 of the submissions does not count toward it. Last evaluated 2022-07-19.

Conditions:
Meckel-Gruber syndrome. Also called: Dysencephalia splachnocystica; DYSENCEPHALIA SPLANCHNOCYSTICA; GRUBER SYNDROME. Identifiers: Orphanet 564, MedGen C0265215, MONDO:0018921.
Joubert syndrome. Also called: Familial aplasia of the vermis; CEREBELLOPARENCHYMAL DISORDER IV; JOUBERT-BOLTSHAUSER SYNDROME. Identifiers: Orphanet 475, MedGen C5979921, MONDO:0018772.
Meckel syndrome, type 1 (MKS1). Also called: MECKEL-GRUBER SYNDROME, TYPE 1. Identifiers: Orphanet 564, MedGen C3714506, MONDO:0009571, OMIM 249000.

Allele frequency attached by ClinVar (database versions not stated): TOPMed 0.00003; ESP Exome Variant Server 0.00016.
gnomAD v4.1: 4 of 1,612,356 alleles (0.00025%); highest among the groups gnomAD compares: African/African-American, 0.0053%; no homozygotes.

Submissions (2):

Labcorp Genetics (formerly Invitae), Labcorp
Classification: Uncertain significance for Joubert syndrome; Meckel-Gruber syndrome. Last evaluated: 2022-07-19. Review status: criteria provided, single submitter. Criteria: Invitae Variant Classification Sherloc (09022015). Collection method: clinical testing. Allele origin: germline.
Comment: This sequence change replaces arginine, which is basic and polar, with glycine, which is neutral and non-polar, at codon 472 of the MKS1 protein (p.Arg472Gly). This variant is present in population databases (rs181513926, gnomAD 0.02%). This variant has not been reported in the literature in individuals affected with MKS1-related conditions. ClinVar contains an entry for this variant (Variation ID: 656438). Algorithms developed to predict the effect of missense changes on protein structure and function are either unavailable or do not agree on the potential impact of this missense change (SIFT: "Tolerated"; PolyPhen-2: "Possibly Damaging"; Align-GVGD: "Class C0"). In summary, the available evidence is currently insufficient to determine the role of this variant in disease. Therefore, it has been classified as a Variant of Uncertain Significance.

Natera, Inc.
Classification: Uncertain significance for Meckel syndrome type 1. Last evaluated: 2020-09-16. Review status: no assertion criteria provided. Collection method: clinical testing. Allele origin: germline. Not counted in ClinVar's aggregate classification.